The following is an entry in ClinVar:

ClinVar aggregate classification (germline): Uncertain significance (1 of 4 stars; one submission).

Submission:

GeneDx
Classification: Uncertain significance. Last evaluated: 2026-04-02. Review status: criteria provided, single submitter. Criteria: GeneDx Variant Classification Process June 2021. Collection method: clinical testing. Allele origin: germline.
Comment: Not observed at significant frequency in large population cohorts (gnomAD); In silico analysis supports that this missense variant has a deleterious effect on protein structure/function; Has not been previously published as pathogenic or benign to our knowledge

NM_004859.4(CLTC):c.3615T>G (p.Cys1205Trp)

Gene: CLTC (clathrin heavy chain; plus strand). Cytogenetic location: 17q23.1.
Variant type: single nucleotide variant.
Coding change: c.3615T>G on transcript NM_004859.4 (MANE Select); coding-DNA position 3615, T replaced by G.
Protein change: p.Cys1205Trp; replaces cysteine 1205 with tryptophan.
Molecular consequence: missense variant.
Genome position (GRCh38, 1-based): chr17:59,682,643, T>G. VCF-style: chr17-59682643-T-G. GRCh37 (hg19) VCF-style: chr17-57760004-T-G.
Other names: c.3627T>G, p.Cys1209Trp (NM_001288653.2); short protein forms C1205W, C1209W.
Identifiers: ClinVar variation 5018144 (VCV005018144.1).